The following is an entry in ClinVar:

NM_000071.3(CBS):c.323del (p.Lys108fs)

Gene: CBS (cystathionine beta-synthase; minus strand). Cytogenetic location: 21q22.3.
Variant type: Deletion.
Coding change: c.323del on transcript NM_000071.3 (MANE Select); coding-DNA position 323, one base deleted (A; older notation c.323delA).
Protein change: p.Lys108fs; shifts the reading frame from lysine 108.
Molecular consequence: frameshift variant.
Genome position (GRCh38, 1-based): chr21:43,066,371, T deleted on the plus strand (A on the coding strand, the reverse complement: CBS is on the minus strand); the first of 2 consecutive T bases (chr21:43,066,371-43,066,372); deleting either gives the same sequence. VCF-style (leftmost placement, unchanged base first): chr21-43066370-CT-C. GRCh37 (hg19) VCF-style: chr21-44486480-CT-C.
Other names: c.323del, p.Lys108fs (NM_001178008.3, NM_001178009.3, NM_001320298.2); c.8del, p.Lys3fs (NM_001321072.1); short protein forms K108fs, K3fs.
Identifiers: ClinVar variation 2680411 (VCV002680411.2), dbSNP rs1294996414, ClinGen allele CA749580387.
Genomic context (GRCh38, chr21:43,066,370, plus strand): 5'-CTCAATCATCCGCAGGCTGATGCGGTCCTTCACGCTCCCGCCCGCGTTGAAGAACTCACA[CT>C]TGGCCACTGGGAGGCAGAGATGAATCACAGAGGGGACCCCCTGACCACCCCCCCATTGAT-3'

ClinVar aggregate classification (germline): Pathogenic/Likely pathogenic. Review status: criteria provided, multiple submitters, no conflicts (2 of 4 stars). 2 submissions from 2 submitters: Pathogenic (1); Likely pathogenic (1). Last evaluated 2025-07-27.

Conditions:
Classic homocystinuria. Also called: Homocystinuria due to CBS deficiency; Cystathionine beta-synthase deficiency; CBS deficiency; Homocystinuria due to Cystathionine Beta-Synthase Deficiency; HOMOCYSTINURIA WITH OR WITHOUT RESPONSE TO PYRIDOXINE. Identifiers: Orphanet 394, MedGen C0751202, MONDO:0009352, OMIM 236200.

Submissions (2):

Myriad Genetics, Inc.
Classification: Pathogenic for Classic homocystinuria. Last evaluated: 2025-07-27. Review status: criteria provided, single submitter. Criteria: Myriad Autosomal Dominant, Autosomal Recessive and X-Linked Classification Criteria (2023). Collection method: clinical testing. Allele origin: unknown.
Comment: NM_000071.2(CBS):c.323delA(K108Sfs*11) is expected to be pathogenic in the context of homocystinuria, CBS-related. This variant is predicted to lead to an abnormal or absent protein product due to the creation of a premature termination codon in CBS, a gene where loss-of-function variants are known to be pathogenic. Please note: this variant was assessed in the context of healthy population screening.

Baylor Genetics
Classification: Likely pathogenic for Classic homocystinuria. Last evaluated: 2023-02-20. Review status: criteria provided, single submitter. Criteria: ACMG Guidelines, 2015. Collection method: clinical testing. Allele origin: unknown.